The following is an entry in ClinVar:

NM_001429.4(EP300):c.4452+20_4452+21delinsTT

Gene: EP300 (EP300 lysine acetyltransferase; plus strand). Cytogenetic location: 22q13.2.
Variant type: Indel.
Coding change: c.4452+20_4452+21delinsTT on transcript NM_001429.4 (MANE Select); bases 20 to 21 of the intron after coding-DNA position 4452, CC replaced by TT.
Molecular consequence: intron variant.
Genome position (GRCh38, 1-based): chr22:41,170,591-41,170,592, CC replaced by TT. VCF-style: chr22-41170591-CC-TT. GRCh37 (hg19) VCF-style: chr22-41566595-CC-TT.
Other names: c.4374+20_4374+21delinsTT (NM_001362843.2).
Identifiers: ClinVar variation 1976827 (VCV001976827.5), dbSNP rs2517824473, ClinGen allele CA2580099816.
Genomic context (GRCh38, chr22:41,170,591, plus strand): 5'-TTGACAAGGCTGTATCAGAGCGTATTGTCCATGACTACAAGGTCAGTTGGGACATAGGGG[CC>TT]AGGTGCTGACAATAGATCTGGAAATGCACTAATGTTGCTGCTCTTTGTTCTGTCATTTAA-3'

ClinVar aggregate classification (germline): Uncertain significance (1 of 4 stars; one submission).

Conditions:
Rubinstein-Taybi syndrome due to EP300 haploinsufficiency. Also called: EP300-Related Rubinstein-Taybi Syndrome; RUBINSTEIN-TAYBI SYNDROME 2. Identifiers: Orphanet 353284, Orphanet 783, MedGen C3150941, MONDO:0013364, OMIM 613684.

Submission:

Labcorp Genetics (formerly Invitae), Labcorp
Classification: Uncertain significance for Rubinstein-Taybi syndrome due to EP300 haploinsufficiency. Last evaluated: 2025-09-23. Review status: criteria provided, single submitter. Criteria: Invitae Variant Classification Sherloc (09022015). Collection method: clinical testing. Allele origin: germline.
Comment: This sequence change falls in intron 27 of the EP300 gene. It does not directly change the encoded amino acid sequence of the EP300 protein. Information on the frequency of this variant in the gnomAD database is not available, as this variant may be reported differently in the database. This variant has not been reported in the literature in individuals affected with EP300-related conditions. ClinVar contains an entry for this variant (Variation ID: 1976827). Experimental studies and prediction algorithms are not available or were not evaluated, and the effect of this variant on mRNA splicing is currently unknown. In summary, the available evidence is currently insufficient to determine the role of this variant in disease. Therefore, it has been classified as a Variant of Uncertain Significance.